The following is an entry in ClinVar:

ClinVar aggregate classification (germline): Uncertain significance. Review status: criteria provided, multiple submitters, no conflicts (2 of 4 stars). 5 submissions from 5 submitters: Uncertain significance (5). Last evaluated 2025-10-06.

Conditions:
Lynch syndrome. Identifiers: Orphanet 144, MedGen C4552100, MONDO:0005835. Disease mechanism: loss of function.
Hereditary nonpolyposis colorectal neoplasms. Identifiers: MedGen C0009405, MeSH D003123.
Hereditary cancer-predisposing syndrome. Also called: Hereditary neoplastic syndrome; Tumor predisposition; Neoplastic Syndromes, Hereditary; Hereditary Cancer Syndrome. Identifiers: Orphanet 140162, MedGen C0027672, MeSH D009386, MONDO:0015356.

Submissions (5):

Ambry Genetics
Classification: Uncertain significance for Hereditary cancer-predisposing syndrome. Last evaluated: 2025-10-06. Review status: criteria provided, single submitter. Criteria: Ambry Variant Classification Scheme 2023. Collection method: clinical testing. Allele origin: germline.
Comment: The p.V243F variant (also known as c.727G>T), located in coding exon 7 of the PMS2 gene, results from a G to T substitution at nucleotide position 727. The valine at codon 243 is replaced by phenylalanine, an amino acid with highly similar properties. This amino acid position is highly conserved in available vertebrate species. In addition, the in silico prediction for this alteration is inconclusive. Since supporting evidence is limited at this time, the clinical significance of this alteration remains unclear.

Labcorp Genetics (formerly Invitae), Labcorp
Classification: Uncertain significance for Hereditary nonpolyposis colorectal neoplasms. Last evaluated: 2024-05-12. Review status: criteria provided, single submitter. Criteria: Invitae Variant Classification Sherloc (09022015). Collection method: clinical testing. Allele origin: germline.
Comment: This sequence change replaces valine, which is neutral and non-polar, with phenylalanine, which is neutral and non-polar, at codon 243 of the PMS2 protein (p.Val243Phe). The frequency data for this variant in the population databases is considered unreliable, as metrics indicate poor data quality at this position in the gnomAD database. This missense change has been observed in individual(s) with breast cancer (PMID: 29752822). ClinVar contains an entry for this variant (Variation ID: 419274). Advanced modeling of protein sequence and biophysical properties (such as structural, functional, and spatial information, amino acid conservation, physicochemical variation, residue mobility, and thermodynamic stability) performed at Invitae indicates that this missense variant is expected to disrupt PMS2 protein function with a positive predictive value of 80%. In summary, the available evidence is currently insufficient to determine the role of this variant in disease. Therefore, it has been classified as a Variant of Uncertain Significance.

Color Diagnostics, LLC DBA Color Health
Classification: Uncertain significance for Hereditary cancer-predisposing syndrome. Last evaluated: 2018-11-09. Review status: criteria provided, single submitter. Criteria: ACMG Guidelines, 2015. Collection method: clinical testing. Allele origin: germline.

University of Washington Department of Laboratory Medicine, University of Washington
Classification: Uncertain significance for Lynch syndrome. Last evaluated: 2018-05-01. Review status: criteria provided, single submitter. Criteria: Shirts BH et al. (Am J Hum Genet 2018). Collection method: clinical testing. Allele origin: somatic. Affected: yes.
Comment: PMS2 NM_000535.5:c.727G>T has a 16.7% probability of pathogenicity based on combining prior probability from public data with a likelihood ratio of 0.20 to 1, generated from evidence of seeing this as a somatic mutation in a tumor without loss of heterozygosity at the PMS2 locus. See Shirts et al 2018, PMID 29887214.

GeneDx
Classification: Uncertain significance. Last evaluated: 2016-12-15. Review status: criteria provided, single submitter. Criteria: GeneDx Variant Classification (06012015). Collection method: clinical testing. Allele origin: germline. Affected: yes.
Comment: This variant is denoted PMS2 c.727G>T at the cDNA level, p.Val243Phe (V243F) at the protein level, and results in the change of a Valine to a Phenylalanine (GTT>TTT). This variant has not, to our knowledge, been published in the literature as pathogenic or benign. PMS2 Val243Phe was not observed in approximately 6,500 individuals of European and African American ancestry in the NHLBI Exome Sequencing Project, suggesting it is not a common benign variant in these populations. Since Valine and Phenylalanine differ in some properties, this is considered a semi-conservative amino acid substitution. PMS2 Val243Phe occurs at a position that is conserved in mammals and is located in the ATPase domain (Guarne 2001). In silico analyses predict that this variant is probably damaging to protein structure and function. Based on currently available evidence, it is unclear whether PMS2 Val243Phe is a pathogenic or benign variant. We consider it to be a variant of uncertain significance.

Literature cited by the submitters: PubMed 29752822 (cited by Labcorp Genetics (formerly Invitae), Labcorp).

NM_000535.7(PMS2):c.727G>T (p.Val243Phe)

Gene: PMS2 (PMS1 homolog 2, mismatch repair system component; minus strand). Cytogenetic location: 7p22.1.
Variant type: single nucleotide variant.
Coding change: c.727G>T on transcript NM_000535.7 (MANE Select); coding-DNA position 727, G replaced by T.
Protein change: p.Val243Phe; replaces valine 243 with phenylalanine.
Molecular consequence: missense variant. On other transcripts: 5 prime UTR variant (2), non-coding transcript variant (1).
Genome position (GRCh38, 1-based): chr7:5,997,402, C>A on the plus strand (G>T on the coding strand, the complement: PMS2 is on the minus strand). VCF-style: chr7-5997402-C-A. GRCh37 (hg19) VCF-style: chr7-6037033-C-A.
Other names: c.322G>T, p.Val108Phe (NM_001322003.2, NM_001322004.2, NM_001322005.2 and 2 more transcripts); c.727G>T, p.Val243Phe (NM_001322006.2, NM_001322014.2); c.409G>T, p.Val137Phe (NM_001322007.2, NM_001322008.2); c.-207G>T (NM_001322011.2, NM_001322012.2); c.154G>T, p.Val52Phe (NM_001322013.2); c.418G>T, p.Val140Phe (NM_001322015.2); short protein forms V243F, V108F, V140F, V137F, V52F.
Identifiers: ClinVar variation 419274 (VCV000419274.16), dbSNP rs867655834, ClinGen allele CA16618524.
Genomic context (GRCh38, chr7:5,997,402, plus strand): 5'-GAGCATCGGAACAGCTCAAACCGTACTCTTCACACACGGAGTCACTAGGGGGCAGCTGAA[C>A]AAAAGGAATGAGGCTTTGCAACTGAAAAAAAAAAAAAAAAATTCACAGTTACTTCCTAAT-3'
Protein context (NP_000526.2, residues 233-253): QKQLQSLIPF[Val243Phe]QLPPSDSVCE